The following is an entry in ClinVar:

NM_001031710.3(KLHL7):c.449G>A (p.Ser150Asn)

Gene: KLHL7 (kelch like family member 7; plus strand). Cytogenetic location: 7p15.3.
Variant type: single nucleotide variant.
Coding change: c.449G>A on transcript NM_001031710.3 (MANE Select); coding-DNA position 449, G replaced by A.
Protein change: p.Ser150Asn; replaces serine 150 with asparagine.
Molecular consequence: missense variant. On other transcripts: non-coding transcript variant (1).
Genome position (GRCh38, 1-based): chr7:23,140,775, G>A. VCF-style: chr7-23140775-G-A. GRCh37 (hg19) VCF-style: chr7-23180394-G-A.
Other names: c.305G>A, p.Ser102Asn (NM_018846.5); c.449G>A (NM_001031710.2); short protein forms S150N, S102N.
Identifiers: ClinVar variation 1008 (VCV000001008.11), dbSNP rs137853112, ClinGen allele CA251665.
Genomic context (GRCh38, chr7:23,140,775, plus strand): 5'-ACTTGGTTTTTCTAAAAATGATTTTCTATTCTTTTATTTTCTTTCTGTGTTTAGGTATAA[G>A]TGTGCTAGCGGAGTGTCTAGATTGTCCTGAATTGAAAGCAACTGCAGATGACTTTATTCA-3'
Protein context (NP_001026880.2, residues 140-160): QVDASNCLGI[Ser150Asn]VLAECLDCPE

ClinVar aggregate classification (germline): Pathogenic/Likely pathogenic. Review status: criteria provided, multiple submitters, no conflicts (2 of 4 stars). 4 submissions from 4 submitters: Pathogenic (1); Likely pathogenic (2). 1 of the submissions does not count toward it. Last evaluated 2024-08-22.

Conditions:
KLHL7-related disorder. Also called: KLHL7-related condition; KLHL7-related disorders.
Retinitis pigmentosa 42 (RP42). Identifiers: Orphanet 791, MedGen C2751986, MONDO:0013052, OMIM 612943.

Submissions (4):

Blueprint Genetics
Classification: Likely pathogenic for KLHL7-related disorders. Last evaluated: 2024-08-22. Review status: criteria provided, single submitter. Criteria: ACMG Guidelines, 2015. Collection method: clinical testing. Allele origin: germline. Affected: yes. Observed: 1 variant allele.

Labcorp Genetics (formerly Invitae), Labcorp
Classification: Pathogenic. Last evaluated: 2023-10-22. Review status: criteria provided, single submitter. Criteria: Invitae Variant Classification Sherloc (09022015). Collection method: clinical testing. Allele origin: germline.
Comment: This sequence change replaces serine, which is neutral and polar, with asparagine, which is neutral and polar, at codon 150 of the KLHL7 protein (p.Ser150Asn). This variant is not present in population databases (gnomAD no frequency). This missense change has been observed in individuals with autosomal dominant retinitis pigmentosa (PMID: 19520207, 22084217). It has also been observed to segregate with disease in related individuals. ClinVar contains an entry for this variant (Variation ID: 1008). An algorithm developed to predict the effect of missense changes on protein structure and function (PolyPhen-2) suggests that this variant is likely to be disruptive. Experimental studies are conflicting or provide insufficient evidence to determine the effect of this variant on KLHL7 function (PMID: 21828050). For these reasons, this variant has been classified as Pathogenic.

GeneDx
Classification: Likely pathogenic. Last evaluated: 2023-05-03. Review status: criteria provided, single submitter. Criteria: GeneDx Variant Classification Process June 2021. Collection method: clinical testing. Allele origin: germline. Affected: yes.
Comment: In silico analysis supports that this missense variant does not alter protein structure/function; One published functional study was unable to demonstrate any obvious effects on KLHL7 function, and additional studies are needed to further investigate this variant (Kigoshi et al., 2011); Not observed at significant frequency in large population cohorts (gnomAD); This variant is associated with the following publications: (PMID: 27392078, 22084217, 31429209, 30997404, 19520207, 21828050)

OMIM
Classification: Pathogenic for RETINITIS PIGMENTOSA 42. Last evaluated: 2009-06-01. Review status: no assertion criteria provided. Collection method: literature only. Allele origin: germline. Not counted in ClinVar's aggregate classification.

Literature cited by the submitters: PubMed 19520207 (cited by Labcorp Genetics (formerly Invitae), Labcorp and OMIM); PubMed 22084217 (cited by Labcorp Genetics (formerly Invitae), Labcorp); PubMed 21828050 (cited by Labcorp Genetics (formerly Invitae), Labcorp); PubMed 1872134 (cited by OMIM).